The following is an entry in ClinVar:

NM_001001417.7(TBC1D3B):c.616G>A (p.Ala206Thr)

Gene: TBC1D3B (TBC1 domain family member 3B; minus strand). Cytogenetic location: 17q12.
Variant type: single nucleotide variant.
Coding change: c.616G>A on transcript NM_001001417.7 (MANE Select); coding-DNA position 616, G replaced by A.
Protein change: p.Ala206Thr; replaces alanine 206 with threonine.
Molecular consequence: missense variant.
Genome position (GRCh38, 1-based): chr17:36,169,942, C>T on the plus strand (G>A on the coding strand, the complement: TBC1D3B is on the minus strand). VCF-style: chr17-36169942-C-T. GRCh37 (hg19) VCF-style: chr17-34497300-C-T.
Other names: short protein forms A206T.
Identifiers: ClinVar variation 2647681 (VCV002647681.24), dbSNP rs202239897, ClinGen allele CA290187768.

ClinVar aggregate classification (germline): Likely benign (1 of 4 stars; one submission).

Allele frequency attached by ClinVar (database versions not stated): gnomAD exomes 0.00033; ESP Exome Variant Server 0.00171; ExAC 0.00205.

Submission:

CeGaT Center for Human Genetics Tuebingen
Classification: Likely benign. Last evaluated: 2022-12-01. Review status: criteria provided, single submitter. Criteria: CeGaT Center For Human Genetics Tuebingen Variant Classification Criteria Version 2. Collection method: clinical testing. Allele origin: germline. Affected: yes. Observed: 1 variant allele.
Comment: TBC1D3B: BS2